The following is an entry in ClinVar:

ClinVar aggregate classification (germline): Benign/Likely benign. Review status: criteria provided, multiple submitters, no conflicts (2 of 4 stars). 2 submissions from 2 submitters: Benign (1); Likely benign (1). Last evaluated 2025-04-29.

Conditions:
RASopathy. Also called: Noonan spectrum disorder; rasopathies. Identifiers: Orphanet 536391, MedGen C5555857, MONDO:0021060.

Allele frequency attached by ClinVar (database versions not stated): ExAC 0.00003; gnomAD exomes 0.00003; gnomAD 0.00006 and 0.00007; ESP Exome Variant Server 0.00008; TOPMed 0.00009.
gnomAD v4.1: 66 of 1,599,984 alleles (0.0041%); highest among the groups gnomAD compares: African/African-American, 0.011%; no homozygotes.

Submissions (2):

Labcorp Genetics (formerly Invitae), Labcorp
Classification: Likely benign for RASopathy. Last evaluated: 2025-04-29. Review status: criteria provided, single submitter. Criteria: Invitae Variant Classification Sherloc (09022015). Collection method: clinical testing. Allele origin: germline.

Women's Health and Genetics/Laboratory Corporation of America, LabCorp
Classification: Benign. Last evaluated: 2020-12-07. Review status: criteria provided, single submitter. Criteria: LabCorp Variant Classification Summary - May 2015. Collection method: clinical testing. Allele origin: germline.
Comment: Variant summary: RAF1 c.1371-15C>A alters a non-conserved nucleotide located close to a canonical splice site and therefore could affect mRNA splicing, leading to a significantly altered protein sequence. 4/4 computational tools predict no significant impact on normal splicing. However, these predictions have yet to be confirmed by functional studies. The variant allele was found at a frequency of 6.6e-05 in 150838 control chromosomes (gnomAD v3 genomes dataset). The observed variant frequency is approximately 2.6 fold of the estimated maximal expected allele frequency for a pathogenic variant in RAF1 causing Noonan Syndrome phenotype (2.5e-05), strongly suggesting that the variant is benign. To our knowledge, no occurrence of c.1371-15C>A in individuals affected with Noonan Syndrome and no experimental evidence demonstrating its impact on protein function have been reported. No clinical diagnostic laboratories have submitted clinical-significance assessments for this variant to ClinVar after 2014. Based on the evidence outlined above, the variant was classified as benign.

NM_002880.4(RAF1):c.1371-15C>A

Gene: RAF1 (Raf-1 proto-oncogene, serine/threonine kinase; minus strand). Cytogenetic location: 3p25.2.
Variant type: single nucleotide variant.
Coding change: c.1371-15C>A on transcript NM_002880.4 (MANE Select); 15 bases into the intron before coding-DNA position 1371, C replaced by A.
Molecular consequence: intron variant.
Genome position (GRCh38, 1-based): chr3:12,587,652, G>T on the plus strand (C>A on the coding strand, the complement: RAF1 is on the minus strand). VCF-style: chr3-12587652-G-T. GRCh37 (hg19) VCF-style: chr3-12629151-G-T.
Other names: c.1029-15C>A (NM_001354695.3); c.1128-15C>A (NM_001354692.3, NM_001354691.3); c.1188-15C>A (NM_001354694.3); c.1272-15C>A (NM_001354693.3); c.1431-15C>A (NM_001354689.3); c.1371-15C>A (NM_001354690.3).
Identifiers: ClinVar variation 992225 (VCV000992225.8), dbSNP rs371491379, ClinGen allele CA2259515.
Genomic context (GRCh38, chr3:12,587,652, plus strand): 5'-GTTGGATTTCATGTCTCTATGGATGATGTTCTTTGCATGCAAATAGCTGTGAAGGGAAAA[G>T]AAATTATTAAAAATAAGTTTGAGGGGCATGAGTAGAAAGCAGTTTTAAACTACAGCTAAG-3'